The following is an entry in ClinVar:

NM_002471.4(MYH6):c.3732+5G>A

Gene: MYH6 (myosin heavy chain 6; minus strand). Cytogenetic location: 14q11.2.
Variant type: single nucleotide variant.
Coding change: c.3732+5G>A on transcript NM_002471.4 (MANE Select); 5 bases into the intron after coding-DNA position 3732, G replaced by A.
Molecular consequence: intron variant.
Genome position (GRCh38, 1-based): chr14:23,390,052, C>T on the plus strand (G>A on the coding strand, the complement: MYH6 is on the minus strand). VCF-style: chr14-23390052-C-T. GRCh37 (hg19) VCF-style: chr14-23859261-C-T.
Identifiers: ClinVar variation 3650745 (VCV003650745.2).

ClinVar aggregate classification (germline): Uncertain significance (1 of 4 stars; one submission).

Conditions:
Hypertrophic cardiomyopathy 14. Identifiers: MedGen C2750467, MONDO:0013197, OMIM 613251.

Submission:

Labcorp Genetics (formerly Invitae), Labcorp
Classification: Uncertain significance for Hypertrophic cardiomyopathy 14. Last evaluated: 2024-04-24. Review status: criteria provided, single submitter. Criteria: Invitae Variant Classification Sherloc (09022015). Collection method: clinical testing. Allele origin: germline.
Comment: This sequence change falls in intron 26 of the MYH6 gene. It does not directly change the encoded amino acid sequence of the MYH6 protein. It affects a nucleotide within the consensus splice site. This variant is not present in population databases (gnomAD no frequency). This variant has not been reported in the literature in individuals affected with MYH6-related conditions. Variants that disrupt the consensus splice site are a relatively common cause of aberrant splicing (PMID: 17576681, 9536098). Algorithms developed to predict the effect of sequence changes on RNA splicing suggest that this variant may disrupt the consensus splice site. In summary, the available evidence is currently insufficient to determine the role of this variant in disease. Therefore, it has been classified as a Variant of Uncertain Significance.

Literature cited by the submitters: PubMed 17576681; PubMed 9536098.